The following is an entry in ClinVar:

ClinVar aggregate classification (germline): Benign (0 of 4 stars; one submission).

Conditions:
CAPN15-related disorder. Also called: CAPN15-related condition.

Allele frequency attached by ClinVar (database versions not stated): gnomAD exomes 0.00039; ExAC 0.00165; ESP Exome Variant Server 0.00227; 1000 Genomes Project 0.00240; 1000 Genomes Project 30x 0.00265; gnomAD 0.00396; TOPMed 0.00425.
gnomAD v4.1: 1,159 of 1,550,316 alleles (0.075%); highest among the groups gnomAD compares: African/African-American, 1.4%; 7 homozygotes.

Submission:

PreventionGenetics, part of Exact Sciences
Classification: Benign for CAPN15-related condition. Last evaluated: 2019-09-12. Review status: no assertion criteria provided. Collection method: clinical testing. Allele origin: germline.
Comment: This variant is classified as benign based on ACMG/AMP sequence variant interpretation guidelines (Richards et al. 2015 PMID: 25741868, with internal and published modifications).

NM_005632.3(CAPN15):c.312A>G (p.Glu104=)

Gene: CAPN15 (calpain 15; plus strand). Cytogenetic location: 16p13.3.
Variant type: single nucleotide variant.
Coding change: c.312A>G on transcript NM_005632.3 (MANE Select); coding-DNA position 312, A replaced by G.
Protein change: p.Glu104=; no amino-acid change (glutamic acid 104 retained).
Molecular consequence: synonymous variant.
Genome position (GRCh38, 1-based): chr16:547,150, A>G. VCF-style: chr16-547150-A-G. GRCh37 (hg19) VCF-style: chr16-597150-A-G.
Identifiers: ClinVar variation 3040222 (VCV003040222.2), dbSNP rs74003979, ClinGen allele CA7778040.
Genomic context (GRCh38, chr16:547,150, plus strand): 5'-CGGGGTCCTCCCCAAGCCACCCGCCATCCTGGGGGAGCCCAAGGGCAGCTGCCAGGAGGA[A>G]GCAGGTCCAGTGAGGACTGCGGGGCTGGTGGCCACGGAGCCCGCCAGGGGGCAGTGCGAG-3'
Protein context (NP_005623.1, residues 94-114): LGEPKGSCQE[Glu104=]AGPVRTAGLV